The following is an entry in ClinVar:

ClinVar aggregate classification (germline): Uncertain significance (1 of 4 stars; one submission).

gnomAD v4.1: 5 of 1,534,526 alleles (0.00033%); highest among the groups gnomAD compares: Non-Finnish European, 0.00044%; no homozygotes.

Submission:

Women's Health and Genetics/Laboratory Corporation of America, LabCorp
Classification: Uncertain significance. Last evaluated: 2024-08-21. Review status: criteria provided, single submitter. Criteria: LabCorp Variant Classification Summary - May 2015. Collection method: clinical testing. Allele origin: germline.
Comment: Variant summary: PIEZO2 c.1328A>T (p.Asp443Val) results in a non-conservative amino acid change in the encoded protein sequence. Three of four in-silico tools predict a damaging effect of the variant on protein function. The variant allele was found at a frequency of 1.4e-05 in 142256 control chromosomes. The available data on variant occurrences in the general population are insufficient to allow any conclusion about variant significance. To our knowledge, no occurrence of c.1328A>T in individuals affected with PIEZO2-Related Disorders and no experimental evidence demonstrating its impact on protein function have been reported. No submitters have cited clinical-significance assessments for this variant to ClinVar. Based on the evidence outlined above, the variant was classified as uncertain significance.

NM_001378183.1(PIEZO2):c.1328A>T (p.Asp443Val)

Gene: PIEZO2 (piezo type mechanosensitive ion channel component 2; minus strand). Cytogenetic location: 18p11.22.
Variant type: single nucleotide variant.
Coding change: c.1328A>T on transcript NM_001378183.1 (MANE Select); coding-DNA position 1328, A replaced by T.
Protein change: p.Asp443Val; replaces aspartic acid 443 with valine.
Molecular consequence: missense variant.
Genome position (GRCh38, 1-based): chr18:10,800,387, T>A on the plus strand (A>T on the coding strand, the complement: PIEZO2 is on the minus strand). VCF-style: chr18-10800387-T-A. GRCh37 (hg19) VCF-style: chr18-10800385-T-A.
Other names: c.1328A>T, p.Asp443Val (NM_001410871.1, NM_022068.4); short protein forms D443V.
Identifiers: ClinVar variation 3366694 (VCV003366694.1).